The following is an entry in ClinVar:

NM_000059.4(BRCA2):c.4146_4149del (p.Glu1382fs)

Gene: BRCA2 (BRCA2 DNA repair associated; plus strand). Cytogenetic location: 13q13.1.
Variant type: Deletion.
Coding change: c.4146_4149del on transcript NM_000059.4 (MANE Select); coding-DNA positions 4146 to 4149, 4 bases deleted (AGAT; older notation c.4146_4149delAGAT).
Protein change: p.Glu1382fs; shifts the reading frame from glutamic acid 1382.
Molecular consequence: frameshift variant.
Genome position (GRCh38, 1-based): chr13:32,338,501-32,338,504, AGAT deleted. VCF-style (leftmost placement, unchanged base first): chr13-32338500-AAGAT-A. GRCh37 (hg19) VCF-style: chr13-32912637-AAGAT-A.
Other names: 4374del4; short protein forms E1382fs.
Identifiers: ClinVar variation 266793 (VCV000266793.5), dbSNP rs886040513, ClinGen allele CA10589243.

ClinVar aggregate classification (germline): Pathogenic. Review status: reviewed by expert panel (3 of 4 stars). 2 submissions from 2 submitters: Pathogenic (1). 1 of the submissions does not count toward it. Last evaluated 2016-10-18.

Conditions:
Breast-ovarian cancer, familial, susceptibility to, 2 (BROVCA2). Also called: BRCA2 Hereditary Breast and Ovarian Cancer. Identifiers: Orphanet 145, MedGen C2675520, MONDO:0012933, OMIM 612555. Disease mechanism: loss of function.

Submissions (2):

Evidence-based Network for the Interpretation of Germline Mutant Alleles (ENIGMA)
Classification: Pathogenic for Breast-ovarian cancer, familial, susceptibility to, 2. Last evaluated: 2016-10-18. Review status: reviewed by expert panel. Criteria: ENIGMA BRCA1/2 Classification Criteria (2015). Collection method: curation. Allele origin: germline.
Comment: Variant allele predicted to encode a truncated non-functional protein.

Consortium of Investigators of Modifiers of BRCA1/2 (CIMBA), c/o University of Cambridge
Classification: Pathogenic for Breast-ovarian cancer, familial, susceptibility to, 2. Last evaluated: 2015-10-02. Review status: criteria provided, single submitter. Criteria: CIMBA Mutation Classification guidelines May 2016. Collection method: clinical testing. Allele origin: germline. Not counted in ClinVar's aggregate classification.